The following is an entry in ClinVar:

NM_025244.4(TSGA10):c.750T>C (p.Ile250=)

Gene: TSGA10 (testis specific 10; minus strand). Cytogenetic location: 2q11.2.
Variant type: single nucleotide variant.
Coding change: c.750T>C on transcript NM_025244.4 (MANE Select); coding-DNA position 750, T replaced by C.
Protein change: p.Ile250=; no amino-acid change (isoleucine 250 retained).
Molecular consequence: synonymous variant. On other transcripts: non-coding transcript variant (1), intron variant (2).
Genome position (GRCh38, 1-based): chr2:99,078,791, A>G on the plus strand (T>C on the coding strand, the complement: TSGA10 is on the minus strand). VCF-style: chr2-99078791-A-G. GRCh37 (hg19) VCF-style: chr2-99695254-A-G.
Other names: c.750T>C, p.Ile250= (NM_001349012.1, NM_182911.4); c.612-6917T>C (NM_001349013.2, NM_001349014.1).
Identifiers: ClinVar variation 774288 (VCV000774288.31), dbSNP rs114700999, ClinGen allele CA1796899.

ClinVar aggregate classification (germline): Benign. Review status: criteria provided, multiple submitters, no conflicts (2 of 4 stars). 3 submissions from 3 submitters: Benign (3). Last evaluated 2026-01-01.

Allele frequency attached by ClinVar (database versions not stated): 1000 Genomes Project 0.00379; 1000 Genomes Project 30x 0.00406; TOPMed 0.00700; gnomAD 0.00710 and 0.00714; ExAC 0.00778; ESP Exome Variant Server 0.00961.
gnomAD v4.1: 18,263 of 1,612,864 alleles (1.1%); highest among the groups gnomAD compares: Non-Finnish European, 1.4%; 141 homozygotes.

Submissions (3):

CeGaT Center for Human Genetics Tuebingen
Classification: Benign. Last evaluated: 2026-01-01. Review status: criteria provided, single submitter. Criteria: CeGaT Center For Human Genetics Tuebingen Variant Classification Criteria Version 2. Collection method: clinical testing. Allele origin: germline. Affected: yes. Observed: 6 variant alleles.
Comment: TSGA10: BP4, BS1, BS2

Labcorp Genetics (formerly Invitae), Labcorp
Classification: Benign. Last evaluated: 2018-02-02. Review status: criteria provided, single submitter. Criteria: Invitae Variant Classification Sherloc (09022015). Collection method: clinical testing. Allele origin: germline.

Breakthrough Genomics
Classification: Benign. Review status: criteria provided, single submitter. Criteria: ACMG Guidelines, 2015. Collection method: not provided. Allele origin: germline. Inheritance: Autosomal recessive inheritance. Affected: yes.